The following is an entry in ClinVar:

ClinVar aggregate classification (germline): Benign. Review status: criteria provided, multiple submitters, no conflicts (2 of 4 stars). 6 submissions from 6 submitters: Benign (6). Last evaluated 2026-01-27.

Conditions:
Cataract 18 (CATC2). Also called: CATARACT 18, AUTOSOMAL RECESSIVE. Identifiers: Orphanet 91492, Orphanet 98991, Orphanet 98992, Orphanet 98995, MedGen C1864908, MONDO:0012395, OMIM 610019.

Allele frequency attached by ClinVar (database versions not stated): TOPMed 0.07754; ESP Exome Variant Server 0.08465; gnomAD 0.08538 and 0.09263; 1000 Genomes Project 30x 0.10712; 1000 Genomes Project 0.11002; gnomAD exomes 0.11644 and 0.12703; ExAC 0.12902.
gnomAD v4.1: 184,723 of 1,613,932 alleles (11%); highest among the groups gnomAD compares: South Asian, 34%; 14,046 homozygotes.

Submissions (6):

Labcorp Genetics (formerly Invitae), Labcorp
Classification: Benign for Cataract 18. Last evaluated: 2026-01-27. Review status: criteria provided, single submitter. Criteria: Invitae Variant Classification Sherloc (09022015). Collection method: clinical testing. Allele origin: germline.

Genome-Nilou Lab
Classification: Benign for Cataract 18. Last evaluated: 2021-08-10. Review status: criteria provided, single submitter. Criteria: ACMG Guidelines, 2015. Collection method: clinical testing. Allele origin: germline. Affected: no.

GeneDx
Classification: Benign. Last evaluated: 2018-05-10. Review status: criteria provided, single submitter. Criteria: GeneDx Variant Classification (06012015). Collection method: clinical testing. Allele origin: germline. Affected: yes.
Comment: This variant is considered likely benign or benign based on one or more of the following criteria: it is a conservative change, it occurs at a poorly conserved position in the protein, it is predicted to be benign by multiple in silico algorithms, and/or has population frequency not consistent with disease.

Illumina Laboratory Services, Illumina
Classification: Benign for Cataract 18. Last evaluated: 2018-01-13. Review status: criteria provided, single submitter. Criteria: ICSL Variant Classification Criteria 13 December 2019. Collection method: clinical testing. Allele origin: germline.
Comment: This variant was observed in the ICSL laboratory as part of a predisposition screen in an ostensibly healthy population. It had not been previously curated by ICSL or reported in the Human Gene Mutation Database (HGMD: prior to June 1st, 2018), and was therefore a candidate for classification through an automated scoring system. Utilizing variant allele frequency, disease prevalence and penetrance estimates, and inheritance mode, an automated score was calculated to assess if this variant is too frequent to cause the disease. Based on the score and internal cut-off values, a variant classified as benign is not then subjected to further curation. The score for this variant resulted in a classification of benign for this disease.

Breakthrough Genomics
Classification: Benign. Review status: criteria provided, single submitter. Criteria: ACMG Guidelines, 2015. Collection method: not provided. Allele origin: germline. Inheritance: Autosomal recessive inheritance. Affected: yes.

PreventionGenetics, part of Exact Sciences
Classification: Benign. Review status: criteria provided, single submitter. Criteria: ACMG Guidelines, 2015. Collection method: clinical testing. Allele origin: germline.

NM_024513.4(FYCO1):c.819A>G (p.Gln273=)

Gene: FYCO1 (FYVE and coiled-coil domain autophagy adaptor 1; minus strand). Cytogenetic location: 3p21.31.
Variant type: single nucleotide variant.
Coding change: c.819A>G on transcript NM_024513.4 (MANE Select); coding-DNA position 819, A replaced by G.
Protein change: p.Gln273=; no amino-acid change (glutamine 273 retained).
Molecular consequence: synonymous variant.
Genome position (GRCh38, 1-based): chr3:45,968,515, T>C on the plus strand (A>G on the coding strand, the complement: FYCO1 is on the minus strand). VCF-style: chr3-45968515-T-C. GRCh37 (hg19) VCF-style: chr3-46010007-T-C.
Identifiers: ClinVar variation 261737 (VCV000261737.17), dbSNP rs13071283, ClinGen allele CA2353368.